The following is an entry in ClinVar:

NM_001358351.3(SEMA6D):c.2652G>A (p.Lys884=)

Gene: SEMA6D (semaphorin 6D; plus strand). Cytogenetic location: 15q21.1.
Variant type: single nucleotide variant.
Coding change: c.2652G>A on transcript NM_001358351.3 (MANE Select); coding-DNA position 2652, G replaced by A.
Protein change: p.Lys884=; no amino-acid change (lysine 884 retained).
Molecular consequence: synonymous variant. On other transcripts: 3 prime UTR variant (1).
Genome position (GRCh38, 1-based): chr15:47,771,215, G>A. VCF-style: chr15-47771215-G-A. GRCh37 (hg19) VCF-style: chr15-48063412-G-A.
Other names: c.2466G>A, p.Lys822= (NM_001198999.2, NM_020858.2); c.2691G>A, p.Lys897= (NM_001358352.2); c.2427G>A, p.Lys809= (NM_153616.2); c.2484G>A, p.Lys828= (NM_153617.2); c.2652G>A, p.Lys884= (NM_153618.2); c.*668G>A (NM_153619.1).
Identifiers: ClinVar variation 3040939 (VCV003040939.2), dbSNP rs145767296, ClinGen allele CA7545596.

ClinVar aggregate classification (germline): Likely benign (0 of 4 stars; one submission).

Conditions:
SEMA6D-related disorder. Also called: SEMA6D-related condition.

Allele frequency attached by ClinVar (database versions not stated): gnomAD 0.00078; TOPMed 0.00080; 1000 Genomes Project 30x 0.00125; gnomAD exomes 0.00007; ExAC 0.00021; ESP Exome Variant Server 0.00046; 1000 Genomes Project 0.00140.
gnomAD v4.1: 215 of 1,614,080 alleles (0.013%); highest among the groups gnomAD compares: African/African-American, 0.26%; no homozygotes.

Submission:

PreventionGenetics, part of Exact Sciences
Classification: Likely benign for SEMA6D-related condition. Last evaluated: 2019-10-28. Review status: no assertion criteria provided. Collection method: clinical testing. Allele origin: germline.
Comment: This variant is classified as likely benign based on ACMG/AMP sequence variant interpretation guidelines (Richards et al. 2015 PMID: 25741868, with internal and published modifications).